The following is an entry in ClinVar:

NM_006947.4(SRP72):c.38C>T (p.Ala13Val)

Gene: SRP72 (signal recognition particle 72; plus strand). Cytogenetic location: 4q12.
Variant type: single nucleotide variant.
Coding change: c.38C>T on transcript NM_006947.4 (MANE Select); coding-DNA position 38, C replaced by T.
Protein change: p.Ala13Val; replaces alanine 13 with valine.
Molecular consequence: missense variant. On other transcripts: non-coding transcript variant (1).
Genome position (GRCh38, 1-based): chr4:56,467,673, C>T. VCF-style: chr4-56467673-C-T. GRCh37 (hg19) VCF-style: chr4-57333839-C-T.
Other names: c.38C>T, p.Ala13Val (NM_001267722.2); short protein forms A13V.
Identifiers: ClinVar variation 3962029 (VCV003962029.1).

ClinVar aggregate classification (germline): Uncertain significance (1 of 4 stars; one submission).

Submission:

Ambry Genetics
Classification: Uncertain significance. Last evaluated: 2025-03-18. Review status: criteria provided, single submitter. Criteria: Ambry Variant Classification Scheme 2023. Collection method: clinical testing. Allele origin: germline.
Comment: The p.A13V variant (also known as c.38C>T), located in coding exon 1 of the SRP72 gene, results from a C to T substitution at nucleotide position 38. The alanine at codon 13 is replaced by valine, an amino acid with similar properties. This amino acid position is conserved. In addition, this alteration is predicted to be tolerated by in silico analysis. Based on the available evidence, the clinical significance of this variant remains unclear.